The following is an entry in ClinVar:

NM_181486.4(TBX5):c.863G>T (p.Gly288Val)

Gene: TBX5 (T-box transcription factor 5; minus strand). Cytogenetic location: 12q24.21.
Variant type: single nucleotide variant.
Coding change: c.863G>T on transcript NM_181486.4 (MANE Select); coding-DNA position 863, G replaced by T.
Protein change: p.Gly288Val; replaces glycine 288 with valine.
Molecular consequence: missense variant.
Genome position (GRCh38, 1-based): chr12:114,366,284, C>A on the plus strand (G>T on the coding strand, the complement: TBX5 is on the minus strand). VCF-style: chr12-114366284-C-A. GRCh37 (hg19) VCF-style: chr12-114804089-C-A.
Other names: c.863G>T, p.Gly288Val (NM_000192.3); c.713G>T, p.Gly238Val (NM_080717.4); short protein forms G288V, G238V.
Identifiers: ClinVar variation 5030562 (VCV005030562.1).

ClinVar aggregate classification (germline): Uncertain significance (1 of 4 stars; one submission).

Conditions:
Cardiovascular phenotype. Identifiers: MedGen CN230736.

Submission:

Ambry Genetics
Classification: Uncertain significance for Cardiovascular phenotype. Last evaluated: 2026-07-21. Review status: criteria provided, single submitter. Criteria: Ambry Variant Classification Scheme 2023. Collection method: clinical testing. Allele origin: germline.
Comment: The p.G288V variant (also known as c.863G>T), located in coding exon 7 of the TBX5 gene, results from a G to T substitution at nucleotide position 863. The glycine at codon 288 is replaced by valine, an amino acid with dissimilar properties. This amino acid position is conserved. In addition, this alteration is predicted to be tolerated by in silico analysis. Based on the available evidence, the clinical significance of this variant remains unclear.